The following is an entry in ClinVar:

NM_001330311.2(DVL1):c.1763G>T (p.Arg588Leu)

Gene: DVL1 (dishevelled segment polarity protein 1; minus strand). Cytogenetic location: 1p36.33.
Variant type: single nucleotide variant.
Coding change: c.1763G>T on transcript NM_001330311.2 (MANE Select); coding-DNA position 1763, G replaced by T.
Protein change: p.Arg588Leu; replaces arginine 588 with leucine.
Molecular consequence: missense variant.
Genome position (GRCh38, 1-based): chr1:1,336,467, C>A on the plus strand (G>T on the coding strand, the complement: DVL1 is on the minus strand). VCF-style: chr1-1336467-C-A. GRCh37 (hg19) VCF-style: chr1-1271847-C-A.
Other names: c.1688G>T, p.Arg563Leu (NM_004421.3); short protein forms R563L, R588L.
Identifiers: ClinVar variation 1362352 (VCV001362352.9), dbSNP rs375813716, ClinGen allele CA519841.
Genomic context (GRCh38, chr1:1,336,467, plus strand): 5'-GCCGTGTGATCCGATTCACTGCCACTGCCCCCAGCTCCCGCCGCCCGACGCTCCTTCTCA[C>A]GGCCCGGGGCCCGGCGGCTGCTCCGGGTGGACCCACTGCTTTTGCTCCCTGGGAGTGAGA-3'
Protein context (NP_001317240.1, residues 578-598): STRSSRRAPG[Arg588Leu]EKERRAAGAG

ClinVar aggregate classification (germline): Uncertain significance. Review status: criteria provided, multiple submitters, no conflicts (2 of 4 stars). 2 submissions from 2 submitters: Uncertain significance (2). Last evaluated 2025-11-19.

Submissions (2):

Women's Health and Genetics/Laboratory Corporation of America, LabCorp
Classification: Uncertain significance. Last evaluated: 2025-11-19. Review status: criteria provided, single submitter. Criteria: LabCorp Variant Classification Summary - May 2015. Collection method: clinical testing. Allele origin: germline.
Comment: Variant summary: DVL1 c.1688G>T (p.Arg563Leu) results in a non-conservative amino acid change in the encoded protein sequence. Algorithms developed to predict the effect of missense changes on protein structure and function are either unavailable or do not agree on the potential impact of this missense change. The variant allele was found at a frequency of 1.1e-05 in 187734 control chromosomes. The available data on variant occurrences in the general population are insufficient to allow any conclusion about variant significance. To our knowledge, no occurrence of c.1688G>T in individuals affected with DVL1-related conditions and no experimental evidence demonstrating its impact on protein function have been reported. ClinVar contains an entry for this variant (Variation ID: 1362352). Based on the evidence outlined above, the variant was classified as uncertain significance.

Labcorp Genetics (formerly Invitae), Labcorp
Classification: Uncertain significance. Last evaluated: 2021-06-30. Review status: criteria provided, single submitter. Criteria: Invitae Variant Classification Sherloc (09022015). Collection method: clinical testing. Allele origin: germline.
Comment: This variant has not been reported in the literature in individuals affected with DVL1-related conditions. Algorithms developed to predict the effect of missense changes on protein structure and function are either unavailable or do not agree on the potential impact of this missense change (SIFT: "Deleterious"; PolyPhen-2: "Not Available"; Align-GVGD: "Class C0"). In summary, the available evidence is currently insufficient to determine the role of this variant in disease. Therefore, it has been classified as a Variant of Uncertain Significance. This sequence change replaces arginine with leucine at codon 563 of the DVL1 protein (p.Arg563Leu). The arginine residue is moderately conserved and there is a moderate physicochemical difference between arginine and leucine. This variant is present in population databases (rs375813716, ExAC 0.002%).